The following is an entry in ClinVar:

NM_000051.4(ATM):c.1678G>A (p.Glu560Lys)

Gene: ATM (ATM serine/threonine kinase; plus strand). Cytogenetic location: 11q22.3.
Variant type: single nucleotide variant.
Coding change: c.1678G>A on transcript NM_000051.4 (MANE Select); coding-DNA position 1678, G replaced by A.
Protein change: p.Glu560Lys; replaces glutamic acid 560 with lysine.
Molecular consequence: missense variant.
Genome position (GRCh38, 1-based): chr11:108,251,907, G>A. VCF-style: chr11-108251907-G-A. GRCh37 (hg19) VCF-style: chr11-108122634-G-A.
Other names: c.1678G>A, p.Glu560Lys (NM_001351834.2); short protein forms E560K.
Identifiers: ClinVar variation 1777837 (VCV001777837.2), dbSNP rs2135340884, ClinGen allele CA382535143.
Genomic context (GRCh38, chr11:108,251,907, plus strand): 5'-TGCTGTTTGACTTTGGCACTGACCACCAGTATAGTTCCAGGAACGGTAAAAATGGGAATA[G>A]AGCAAAATATGTGTGAAGTAAATAGAAGCTTTTCTTTAAAGGAATCAATAATGAAATGGC-3'
Protein context (NP_000042.3, residues 550-570): IVPGTVKMGI[Glu560Lys]QNMCEVNRSF

ClinVar aggregate classification (germline): Uncertain significance (1 of 4 stars; one submission).

Conditions:
Hereditary cancer-predisposing syndrome. Also called: Neoplastic Syndromes, Hereditary; Tumor predisposition; Hereditary Cancer Syndrome; Hereditary neoplastic syndrome. Identifiers: Orphanet 140162, MedGen C0027672, MeSH D009386, MONDO:0015356.

Submission:

Ambry Genetics
Classification: Uncertain significance for Hereditary cancer-predisposing syndrome. Last evaluated: 2022-07-08. Review status: criteria provided, single submitter. Criteria: Ambry Variant Classification Scheme 2023. Collection method: clinical testing. Allele origin: germline.
Comment: The p.E560K variant (also known as c.1678G>A), located in coding exon 10 of the ATM gene, results from a G to A substitution at nucleotide position 1678. The glutamic acid at codon 560 is replaced by lysine, an amino acid with similar properties. This amino acid position is conserved. In addition, this alteration is predicted to be tolerated by in silico analysis. Since supporting evidence is limited at this time, the clinical significance of this alteration remains unclear.